The following is an entry in ClinVar:

ClinVar aggregate classification (germline): Conflicting classifications of pathogenicity. Review status: criteria provided, conflicting classifications (1 of 4 stars). 4 submissions from 4 submitters: Uncertain significance (3); Likely benign (1). Last evaluated 2026-03-18.

Conditions:
ERBB3-related disorder. Also called: ERBB3-related condition.

Allele frequency attached by ClinVar (database versions not stated): 1000 Genomes Project 30x 0.00016; 1000 Genomes Project 0.00020; TOPMed 0.00090; gnomAD 0.00091 and 0.00089; gnomAD exomes 0.00066 and 0.00155; ExAC 0.00069; ESP Exome Variant Server 0.00100.
gnomAD v4.1: 2,448 of 1,613,888 alleles (0.15%); highest among the groups gnomAD compares: Non-Finnish European, 0.19%; 2 homozygotes.

Submissions (4):

PreventionGenetics, part of Exact Sciences
Classification: Uncertain significance for ERBB3-related condition. Last evaluated: 2026-03-18. Review status: criteria provided, single submitter. Criteria: ACMG Guidelines, 2015. Collection method: clinical testing. Allele origin: germline.
Comment: The ERBB3 c.3229C>T variant is predicted to result in the amino acid substitution p.Arg1077Trp. To our knowledge, this variant has not been reported in the literature. This variant is present in 0.13% of alleles in individuals of European (Non-Finnish) descent in gnomAD, which may be too common to be a primary cause of disease. Although we suspect that this variant may be benign, at this time, the clinical significance of this variant is uncertain due to the absence of conclusive functional and genetic evidence.

Blueprint Genetics
Classification: Likely benign. Last evaluated: 2024-11-06. Review status: criteria provided, single submitter. Criteria: ACMG Guidelines, 2015. Collection method: clinical testing. Allele origin: germline.

Mayo Clinic Laboratories, Mayo Clinic
Classification: Uncertain significance. Last evaluated: 2021-08-04. Review status: criteria provided, single submitter. Criteria: ACMG Guidelines, 2015. Collection method: clinical testing. Allele origin: germline. Observed: 2 variant alleles.
Comment: BP4

CeGaT Center for Human Genetics Tuebingen
Classification: Uncertain significance. Last evaluated: 2017-01-01. Review status: criteria provided, single submitter. Criteria: CeGaT Center For Human Genetics Tuebingen Variant Classification Criteria Version 2. Collection method: clinical testing. Allele origin: germline. Affected: yes. Observed: 1 variant allele.

NM_001982.4(ERBB3):c.3229C>T (p.Arg1077Trp)

Gene: ERBB3 (erb-b2 receptor tyrosine kinase 3; plus strand). Cytogenetic location: 12q13.2.
Variant type: single nucleotide variant.
Coding change: c.3229C>T on transcript NM_001982.4 (MANE Select); coding-DNA position 3229, C replaced by T.
Protein change: p.Arg1077Trp; replaces arginine 1077 with tryptophan.
Molecular consequence: missense variant.
Genome position (GRCh38, 1-based): chr12:56,101,088, C>T. VCF-style: chr12-56101088-C-T. GRCh37 (hg19) VCF-style: chr12-56494872-C-T.
Other names: p.Arg1077Trp; short protein forms R1077W.
Identifiers: ClinVar variation 806899 (VCV000806899.47), dbSNP rs112651994, ClinGen allele CA6622893.